The following is an entry in ClinVar:

ClinVar aggregate classification (germline): Pathogenic/Likely pathogenic. Review status: criteria provided, multiple submitters, no conflicts (2 of 4 stars). 2 submissions from 2 submitters: Pathogenic (1); Likely pathogenic (1). Last evaluated 2025-01-30.

Conditions:
Charcot-Marie-Tooth disease axonal type 2P. Also called: Charcot-Marie-Tooth Neuropathy Type 2G; CHARCOT-MARIE-TOOTH DISEASE, AXONAL, TYPE 2G; CMT 2G; CHARCOT-MARIE-TOOTH NEUROPATHY, TYPE 2P. Identifiers: Orphanet 300319, Orphanet 99941, MedGen C3280797, MONDO:0013753, OMIM 614436.

Allele frequency attached by ClinVar (database versions not stated): gnomAD exomes 0.00002; ExAC 0.00004.
gnomAD v4.1: 9 of 1,613,822 alleles (0.00056%); highest among the groups gnomAD compares: Admixed American, 0.0017%; no homozygotes.

Submissions (2):

Labcorp Genetics (formerly Invitae), Labcorp
Classification: Pathogenic for Charcot-Marie-Tooth disease axonal type 2P. Last evaluated: 2025-01-30. Review status: criteria provided, single submitter. Criteria: Invitae Variant Classification Sherloc (09022015). Collection method: clinical testing. Allele origin: germline.
Comment: This sequence change creates a premature translational stop signal (p.Arg173*) in the LRSAM1 gene. It is expected to result in an absent or disrupted protein product. Loss-of-function variants in LRSAM1 are known to be pathogenic (PMID: 20865121, 33414056). This variant is present in population databases (rs746159728, gnomAD 0.01%). This variant has not been reported in the literature in individuals affected with LRSAM1-related conditions. ClinVar contains an entry for this variant (Variation ID: 1324683). For these reasons, this variant has been classified as Pathogenic.

Revvity Omics, Revvity
Classification: Likely pathogenic for Charcot-Marie-Tooth disease axonal type 2P. Last evaluated: 2021-05-20. Review status: criteria provided, single submitter. Criteria: ACMG Guidelines, 2015. Collection method: clinical testing. Allele origin: germline.

Literature cited by the submitters: PubMed 20865121 (cited by Labcorp Genetics (formerly Invitae), Labcorp); PubMed 33414056 (cited by Labcorp Genetics (formerly Invitae), Labcorp).

NM_001005373.4(LRSAM1):c.517C>T (p.Arg173Ter)

Gene: LRSAM1 (leucine rich repeat and sterile alpha motif containing 1; plus strand). Cytogenetic location: 9q33.3.
Variant type: single nucleotide variant.
Coding change: c.517C>T on transcript NM_001005373.4 (MANE Select); coding-DNA position 517, C replaced by T.
Protein change: p.Arg173Ter; replaces arginine 173 with a stop codon.
Molecular consequence: nonsense. On other transcripts: 5 prime UTR variant (1), non-coding transcript variant (2).
Genome position (GRCh38, 1-based): chr9:127,462,362, C>T. VCF-style: chr9-127462362-C-T. GRCh37 (hg19) VCF-style: chr9-130224641-C-T.
Other names: c.517C>T, p.Arg173Ter (NM_001005374.4, NM_001190723.3, NM_001384142.1 and 2 more transcripts); c.-268C>T (NM_001384144.1); short protein forms R173*.
Identifiers: ClinVar variation 1324683 (VCV001324683.6), dbSNP rs746159728, ClinGen allele CA5246568.
Genomic context (GRCh38, chr9:127,462,362, plus strand): 5'-CGTACCCTCAACATCAGTGGAAACGAGATCCAGAGATTGCCGCAGATGCTGGCTCACGTT[C>T]GAACCCTGGAGGTAAATGGGAAGCTGTTCTTGCCTGGGGTGCTCTCTGGCCTGCCCACCT-3'